The following is an entry in ClinVar:

ClinVar aggregate classification (germline): Pathogenic/Likely pathogenic. Review status: criteria provided, multiple submitters, no conflicts (2 of 4 stars). 18 submissions from 18 submitters: Pathogenic (14); Likely pathogenic (1). 3 of the submissions do not count toward it. Last evaluated 2026-09-02.

Conditions:
Mucopolysaccharidosis. Also called: Mucopolysaccharidoses. Identifiers: Orphanet 79213, MedGen C0026703, MeSH D009083, MONDO:0019249.
SGSH-related disorder. Also called: SGSH-related condition.
Mucopolysaccharidosis, MPS-III-A (MPS3A). Also called: MUCOPOLYSACCHARIDOSIS, TYPE IIIA, ATTENUATED; Mucopolysaccharidosis type IIIA (Sanfilippo A); mucopolysaccharidosis type 3A; MPS IIIA (Sanfilippo Syndrome Type A); Mucopolysaccharidosis, type IIIA; MPS III A. Identifiers: Orphanet 581, Orphanet 79269, MedGen C0086647, MONDO:0009655, OMIM 252900.

Submissions 1 to 13 of 18:

PreventionGenetics, part of Exact Sciences
Classification: Likely pathogenic for SGSH-related condition. Last evaluated: 2026-09-02. Review status: criteria provided, single submitter. Criteria: ACMG Guidelines, 2015. Collection method: clinical testing. Allele origin: germline.
Comment: The SGSH c.1080delC variant is predicted to result in a frameshift and premature protein termination (p.Val361Serfs*52). This variant was reported to be causative for mucopolysaccharidosis type IIIA (reported as delC1091, Weber et al. 1997. PubMed ID: 9285796; Knottnerus et al. 2017. PubMed ID: 29023963; reported as c.1079delC, Barone et al. 2021. PubMed ID: 34349725). This variant is reported in 0.014% of alleles in individuals of Latino descent in gnomAD and is interpreted as pathogenic in ClinVar (Variation ID: 518268). This variant is interpreted as pathogenic.

Variantyx, Inc.
Classification: Pathogenic for Mucopolysaccharidosis, MPS-III-A. Last evaluated: 2026-01-15. Review status: criteria provided, single submitter. Criteria: Variantyx Assertion Criteria 2022. Collection method: clinical testing. Allele origin: germline. Inheritance: Autosomal recessive inheritance.
Comment: This is a frameshift variant in the SGSH gene (OMIM: 605270). Pathogenic variants in this gene have been associated with autosomal recessive mucopolysaccharidosis type IIIA. This variant introduces a premature termination codon in exon 8 of 8. Although it is not expected to result in nonsense-mediated decay, it is predicted to truncate a region critical for normal protein function and is therefore expected to result in loss of function, a known disease mechanism for SGSH in this disorder (PMID: 31536183; 9285796) (PVS1). This variant has been identified in the homozygous or compound heterozygous state in multiple individuals reported in the published literature (PMID: 29023963, 35221874, 21061399, 39201540) (PM3). It has a 0.0150% maximum allele frequency in non-founder control populations (PM2). Based on the current evidence, this variant is classified as pathogenic for autosomal recessive mucopolysaccharidosis type IIIA.

Labcorp Genetics (formerly Invitae), Labcorp
Classification: Pathogenic for Mucopolysaccharidosis, MPS-III-A. Last evaluated: 2025-12-22. Review status: criteria provided, single submitter. Criteria: Invitae Variant Classification Sherloc (09022015). Collection method: clinical testing. Allele origin: germline.
Comment: This sequence change creates a premature translational stop signal (p.Val361Serfs*52) in the SGSH gene. While this is not anticipated to result in nonsense mediated decay, it is expected to disrupt the last 142 amino acid(s) of the SGSH protein. This variant is present in population databases (rs770947426, gnomAD 0.01%). This premature translational stop signal has been observed in individuals with mucopolysaccharidosis type III (PMID: 9285796, 15542396, 21061399, 21910976, 22976768). This variant is also known as c.1091delC and delC1091. ClinVar contains an entry for this variant (Variation ID: 518268). For these reasons, this variant has been classified as Pathogenic.

Victorian Clinical Genetics Services, Murdoch Childrens Research Institute
Classification: Pathogenic for Mucopolysaccharidosis, MPS-III-A. Last evaluated: 2025-11-11. Review status: criteria provided, single submitter. Criteria: ACMG Guidelines, 2015. Collection method: clinical testing. Allele origin: germline. Affected: yes.
Comment: This variant is classified as Pathogenic. Evidence in support of pathogenic classification: Variant is predicted to result in a truncated protein (premature termination codon is NOT located at least 54 nucleotides upstream of the final exon-exon junction) with less than 1/3 of the protein sequence affected; Variant is present in gnomAD <0.01 for a recessive condition (v4: 171 heterozygote(s), 0 homozygote(s)); This variant has strong previous evidence of pathogenicity in unrelated individuals. This variant has been classified as pathogenic by multiple clinical laboratories in ClinVar; Other protein truncating variant(s) comparable to the one identified in this case have very strong previous evidence for pathogenicity (DECIPHER). Additional information: This variant is heterozygous; This gene is associated with autosomal recessive disease; Loss of function is a known mechanism of disease in this gene and is associated with mucopolysaccharidosis type IIIA (Sanfilippo A) (MIM#252900).

Natera, Inc.
Classification: Pathogenic for Mucopolysaccharidosis type IIIA. Last evaluated: 2025-07-15. Review status: criteria provided, single submitter. Criteria: Natera Variant Classification Schema (03/2026). Collection method: clinical testing. Allele origin: germline.
Comment: The c.1080delC variant in SGSH is a frameshift variant predicted to shift the reading frame beginning at codon 361 and leads to a stop codon 52 codons downstream. This variant is expected to result in nonsense mediated decay, truncation, or a dysfunctional protein product. This variant is rare in the general population with a frequency below the threshold expected for the associated phenotype(s). This variant has been observed in one or more individuals affected with the associated recessive disease, as either homozygous or compound heterozygous with a second variant (PMID: 21061399). Given the available evidence, this variant is classified as Pathogenic.

Blueprint Genetics
Classification: Pathogenic for SGSH-related disorders. Last evaluated: 2024-11-25. Review status: criteria provided, single submitter. Criteria: ACMG Guidelines, 2015. Collection method: clinical testing. Allele origin: germline. Affected: yes. Observed: 5 variant alleles.

Fulgent Genetics
Classification: Pathogenic for Mucopolysaccharidosis, MPS-III-A. Last evaluated: 2024-02-20. Review status: criteria provided, single submitter. Criteria: ACMG Guidelines, 2015. Collection method: clinical testing. Allele origin: germline.

CeGaT Center for Human Genetics Tuebingen
Classification: Pathogenic. Last evaluated: 2023-12-01. Review status: criteria provided, single submitter. Criteria: CeGaT Center For Human Genetics Tuebingen Variant Classification Criteria Version 2. Collection method: clinical testing. Allele origin: germline. Affected: yes. Observed: 1 variant allele.
Comment: SGSH: PM3:Very Strong, PVS1:Strong, PM2, PS3:Supporting

3billion
Classification: Pathogenic for Mucopolysaccharidosis, MPS-III-A. Last evaluated: 2023-07-20. Review status: criteria provided, single submitter. Criteria: ACMG Guidelines, 2015. Collection method: clinical testing. Allele origin: germline. Affected: yes.
Comment: The variant is observed at an extremely low frequency in the gnomAD v2.1.1 dataset (total allele frequency: 0.007%). Predicted Consequence/Location: Frameshift: predicted to result in a loss or disruption of normal protein function through protein truncation. The predicted truncated protein may be shortened by more than 10%. Multiple pathogenic variants are reported downstream of the variant. The variant has been reported at least twice as pathogenic with clinical assertions and evidence for the classification (ClinVar ID: VCV000518268 /PMID: 9285796). Therefore, this variant is classified as Pathogenic according to the recommendation of ACMG/AMP guideline.

Genome-Nilou Lab
Classification: Pathogenic for Mucopolysaccharidosis, MPS-III-A. Last evaluated: 2021-11-07. Review status: criteria provided, single submitter. Criteria: ACMG Guidelines, 2015. Collection method: clinical testing. Allele origin: germline. Affected: no.

GeneDx
Classification: Pathogenic. Last evaluated: 2021-10-15. Review status: criteria provided, single submitter. Criteria: GeneDx Variant Classification Process June 2021. Collection method: clinical testing. Allele origin: germline. Affected: yes.
Comment: Published functional studies of the c.1080delC variant demonstrate reduced enzyme activity (Montfort et al., 2004); Frameshift variant predicted to result in protein truncation, as the last 142 amino acids are replaced with 51 different amino acids, and other loss-of-function variants have been reported downstream in the Human Gene Mutation Database (HGMD); Not observed at a significant frequency in large population cohorts (gnomAD); This variant is associated with the following publications: (PMID: 22976768, 9285796, 31536183, 28451919, 15542396, 21228398, 26918231, 26787381, 27590925, 29023963, 21910976, 21061399, 30809705, 11343308, 11182930, 9744479, 34440436, 34349725, 31589614)

Mendelics
Classification: Pathogenic. Last evaluated: 2019-05-28. Review status: criteria provided, single submitter. Criteria: Mendelics Assertion Criteria 2017. Collection method: clinical testing. Allele origin: unknown.

Laboratory of Diagnosis and Therapy of Lysosomal Disorders, University of Padova
Classification: Pathogenic for Mucopolysaccharidosis, MPS-III-A. Last evaluated: 2019-01-01. Review status: criteria provided, single submitter. Criteria: ACMG Guidelines, 2015. Collection method: literature only. Allele origin: germline. Affected: yes.
Comment: PVS1: frameshift. PS3: Low in vitro enzymatic acitivity. PM2: Absent from GnomAD

This variant was previously erroneously reported as c.1091delC, according to Scott et al., Nat Genet. 1995 Dec;11(4):465-7. and also as c.1079delC [Montfort et al., Mol Genet Metab. 2004 Nov;83(3):246-51]

NM_000199.5(SGSH):c.1080del (p.Val361fs)

Gene: SGSH (N-sulfoglucosamine sulfohydrolase; minus strand). Cytogenetic location: 17q25.3.
Variant type: Deletion.
Coding change: c.1080del on transcript NM_000199.5 (MANE Select); coding-DNA position 1080, one base deleted (C; older notation c.1080delC).
Protein change: p.Val361fs; shifts the reading frame from valine 361.
Molecular consequence: frameshift variant. On other transcripts: 3 prime UTR variant (2), non-coding transcript variant (1).
Genome position (GRCh38, 1-based): chr17:80,210,881, G deleted on the plus strand (C on the coding strand, the reverse complement: SGSH is on the minus strand); the first of 2 consecutive G bases (chr17:80,210,881-80,210,882); deleting either gives the same sequence. VCF-style (leftmost placement, unchanged base first): chr17-80210880-CG-C. GRCh37 (hg19) VCF-style: chr17-78184679-CG-C.
Other names: c.1080delC (NM_000199.5, NM_000199.4); c.*167del (NM_001352921.3); c.*130del (NM_001352922.2); short protein forms V361fs.
Identifiers: ClinVar variation 518268 (VCV000518268.54), dbSNP rs770947426, ClinGen allele CA8817678.